The following is an entry in ClinVar:

ClinVar aggregate classification (germline): Uncertain significance (1 of 4 stars; one submission).

gnomAD v4.1: 6 of 1,613,914 alleles (0.00037%); highest among the groups gnomAD compares: African/African-American, 0.0027%; no homozygotes.

Submission:

Labcorp Genetics (formerly Invitae), Labcorp
Classification: Uncertain significance. Last evaluated: 2025-04-13. Review status: criteria provided, single submitter. Criteria: Invitae Variant Classification Sherloc (09022015). Collection method: clinical testing. Allele origin: germline.
Comment: This sequence change replaces tyrosine, which is neutral and polar, with cysteine, which is neutral and slightly polar, at codon 228 of the ANGPT1 protein (p.Tyr228Cys). This variant is not present in population databases (gnomAD no frequency). This variant has not been reported in the literature in individuals affected with ANGPT1-related conditions. An algorithm developed to predict the effect of missense changes on protein structure and function (PolyPhen-2) suggests that this variant is likely to be tolerated. In summary, the available evidence is currently insufficient to determine the role of this variant in disease. Therefore, it has been classified as a Variant of Uncertain Significance.

NM_001146.5(ANGPT1):c.683A>G (p.Tyr228Cys)

Gene: ANGPT1 (angiopoietin 1; minus strand). Cytogenetic location: 8q23.1.
Variant type: single nucleotide variant.
Coding change: c.683A>G on transcript NM_001146.5 (MANE Select); coding-DNA position 683, A replaced by G.
Protein change: p.Tyr228Cys; replaces tyrosine 228 with cysteine.
Molecular consequence: missense variant.
Genome position (GRCh38, 1-based): chr8:107,322,021, T>C on the plus strand (A>G on the coding strand, the complement: ANGPT1 is on the minus strand). VCF-style: chr8-107322021-T-C. GRCh37 (hg19) VCF-style: chr8-108334249-T-C.
Other names: c.683A>G, p.Tyr228Cys (NM_001199859.3); c.83A>G, p.Tyr28Cys (NM_001314051.2); short protein forms Y28C, Y228C.
Identifiers: ClinVar variation 4766039 (VCV004766039.1).
Genomic context (GRCh38, chr8:107,322,021, plus strand): 5'-TGAAGGACACTGTTGTTGGTGGTAGCTCTGTTTAATTGCTTTTCCAGCTCCTGGATTATA[T>C]ATGTTTGACGAGTAACCAAGCCTTGAAGGTTCTCTTTCTCTTCCTTTAAGGTGTCCAACT-3'
Protein context (NP_001137.2, residues 218-238): NLQGLVTRQT[Tyr228Cys]IIQELEKQLN